The following is an entry in ClinVar:

NM_001376013.1(EPB41):c.854A>T (p.Asn285Ile)

Gene: EPB41 (erythrocyte membrane protein band 4.1; plus strand). Cytogenetic location: 1p35.3.
Variant type: single nucleotide variant.
Coding change: c.854A>T on transcript NM_001376013.1 (MANE Select); coding-DNA position 854, A replaced by T.
Protein change: p.Asn285Ile; replaces asparagine 285 with isoleucine.
Molecular consequence: missense variant.
Genome position (GRCh38, 1-based): chr1:29,015,716, A>T. VCF-style: chr1-29015716-A-T. GRCh37 (hg19) VCF-style: chr1-29342228-A-T.
Other names: c.854A>T, p.Asn285Ile (NM_001166005.2, NM_001166006.2, NM_001376014.1 and 7 more transcripts); c.227A>T, p.Asn76Ile (NM_001166007.2, NM_001376022.1, NM_001376023.1 and 7 more transcripts); c.749A>T, p.Asn250Ile (NM_203343.3); short protein forms N285I, N250I, N76I.
Identifiers: ClinVar variation 4737988 (VCV004737988.1).

ClinVar aggregate classification (germline): Uncertain significance (1 of 4 stars; one submission).

gnomAD v4.1: 11 of 1,609,674 alleles (0.00068%); highest among the groups gnomAD compares: Admixed American, 0.018%; no homozygotes.

Submission:

Labcorp Genetics (formerly Invitae), Labcorp
Classification: Uncertain significance. Last evaluated: 2025-05-15. Review status: criteria provided, single submitter. Criteria: Invitae Variant Classification Sherloc (09022015). Collection method: clinical testing. Allele origin: germline.
Comment: This sequence change replaces asparagine, which is neutral and polar, with isoleucine, which is neutral and non-polar, at codon 76 of the EPB41 protein (p.Asn76Ile). This variant is present in population databases (rs769763668, gnomAD 0.03%). This variant has not been reported in the literature in individuals affected with EPB41-related conditions. Invitae Evidence Modeling of protein sequence and biophysical properties (such as structural, functional, and spatial information, amino acid conservation, physicochemical variation, residue mobility, and thermodynamic stability) indicates that this missense variant is expected to disrupt EPB41 protein function with a positive predictive value of 80%. In summary, the available evidence is currently insufficient to determine the role of this variant in disease. Therefore, it has been classified as a Variant of Uncertain Significance.